The following is an entry in ClinVar:

ClinVar aggregate classification (germline): Uncertain significance (1 of 4 stars; one submission).

Conditions:
GLUT1 deficiency syndrome 1, autosomal recessive. Identifiers: MedGen C3149117.

Submission:

Labcorp Genetics (formerly Invitae), Labcorp
Classification: Uncertain significance for GLUT1 deficiency syndrome 1, autosomal recessive. Last evaluated: 2022-03-17. Review status: criteria provided, single submitter. Criteria: Invitae Variant Classification Sherloc (09022015). Collection method: clinical testing. Allele origin: germline.
Comment: This sequence change falls in intron 5 of the SLC2A1 gene. It does not directly change the encoded amino acid sequence of the SLC2A1 protein. It affects a nucleotide within the consensus splice site. This variant is not present in population databases (gnomAD no frequency). This variant has not been reported in the literature in individuals affected with SLC2A1-related conditions. Variants that disrupt the consensus splice site are a relatively common cause of aberrant splicing (PMID: 17576681, 9536098). Algorithms developed to predict the effect of sequence changes on RNA splicing suggest that this variant is not likely to affect RNA splicing. In summary, the available evidence is currently insufficient to determine the role of this variant in disease. Therefore, it has been classified as a Variant of Uncertain Significance.

Literature cited by the submitters: PubMed 17576681; PubMed 9536098.

NM_006516.4(SLC2A1):c.679+6G>A

Gene: SLC2A1 (solute carrier family 2 member 1; minus strand). Cytogenetic location: 1p34.2.
Variant type: single nucleotide variant.
Coding change: c.679+6G>A on transcript NM_006516.4 (MANE Select); 6 bases into the intron after coding-DNA position 679, G replaced by A.
Molecular consequence: intron variant.
Genome position (GRCh38, 1-based): chr1:42,929,867, C>T on the plus strand (G>A on the coding strand, the complement: SLC2A1 is on the minus strand). VCF-style: chr1-42929867-C-T. GRCh37 (hg19) VCF-style: chr1-43395538-C-T.
Identifiers: ClinVar variation 1408523 (VCV001408523.6), dbSNP rs2124449194, ClinGen allele CA2573132299.